The following is an entry in ClinVar:

NM_004064.5(CDKN1B):c.275del (p.Pro92fs)

Gene: CDKN1B (cyclin dependent kinase inhibitor 1B; plus strand). Cytogenetic location: 12p13.1.
Variant type: Deletion.
Coding change: c.275del on transcript NM_004064.5 (MANE Select); coding-DNA position 275, one base deleted (C; older notation c.275delC).
Protein change: p.Pro92fs; shifts the reading frame from proline 92.
Molecular consequence: frameshift variant.
Genome position (GRCh38, 1-based): chr12:12,718,114, C deleted; the last of 5 consecutive C bases (chr12:12,718,110-12,718,114); deleting any one gives the same sequence. VCF-style (leftmost placement, unchanged base first): chr12-12718109-AC-A. GRCh37 (hg19) VCF-style: chr12-12871043-AC-A.
Other names: short protein forms P92fs.
Identifiers: ClinVar variation 2705032 (VCV002705032.3), dbSNP rs2497404938, ClinGen allele CA2575083658.
Genomic context (GRCh38, chr12:12,718,109, plus strand): 5'-AGAGGGCAAGTACGAGTGGCAAGAGGTGGAGAAGGGCAGCTTGCCCGAGTTCTACTACAG[AC>A]CCCCGCGGCCCCCCAAAGGTGCCTGCAAGGTGCCGGCGCAGGAGAGCCAGGATGTCAGCG-3'

ClinVar aggregate classification (germline): Pathogenic (1 of 4 stars; one submission).

Conditions:
Multiple endocrine neoplasia type 4. Also called: MULTIPLE ENDOCRINE NEOPLASIA, TYPE IV. Identifiers: Orphanet 276152, MedGen C1970712, MONDO:0012552, OMIM 610755.

Submission:

Labcorp Genetics (formerly Invitae), Labcorp
Classification: Pathogenic for Multiple endocrine neoplasia type 4. Last evaluated: 2023-12-23. Review status: criteria provided, single submitter. Criteria: Invitae Variant Classification Sherloc (09022015). Collection method: clinical testing. Allele origin: germline.
Comment: This sequence change creates a premature translational stop signal (p.Pro92Argfs*27) in the CDKN1B gene. It is expected to result in an absent or disrupted protein product. Loss-of-function variants in CDKN1B are known to be pathogenic (PMID: 17030811, 24819502). This variant is not present in population databases (gnomAD no frequency). This variant has not been reported in the literature in individuals affected with CDKN1B-related conditions. For these reasons, this variant has been classified as Pathogenic.

Literature cited by the submitters: PubMed 17030811; PubMed 24819502.